The following is an entry in ClinVar:

ClinVar aggregate classification (germline): Uncertain significance (1 of 4 stars; one submission).

Conditions:
Frontotemporal dementia (FTD1). Also called: Frontotemporal Dementia with Parkinsonism-17 (FTDP-17); Frontotemporal lobe dementia (FLDEM); WILHELMSEN-LYNCH DISEASE; FRONTOTEMPORAL LOBAR DEGENERATION WITH TAU INCLUSIONS; FTLD WITH TAU INCLUSIONS; Dementia, frontotemporal, with or without parkinsonism. Identifiers: Orphanet 282, MedGen C0338451, MONDO:0017276, OMIM 600274, HP:0002145.

Allele frequency attached by ClinVar (database versions not stated): gnomAD exomes below 0.00001; ExAC 0.00001; TOPMed 0.00001.
gnomAD v4.1: 2 of 1,614,242 alleles (0.00012%); highest among the groups gnomAD compares: Admixed American, 0.0033%; no homozygotes.

Submission:

Labcorp Genetics (formerly Invitae), Labcorp
Classification: Uncertain significance for Frontotemporal dementia. Last evaluated: 2021-07-26. Review status: criteria provided, single submitter. Criteria: Invitae Variant Classification Sherloc (09022015). Collection method: clinical testing. Allele origin: germline.
Comment: In summary, the available evidence is currently insufficient to determine the role of this variant in disease. Therefore, it has been classified as a Variant of Uncertain Significance. Algorithms developed to predict the effect of missense changes on protein structure and function (SIFT, PolyPhen-2, Align-GVGD) all suggest that this variant is likely to be tolerated, but these predictions have not been confirmed by published functional studies and their clinical significance is uncertain. This variant has not been reported in the literature in individuals with MAPT-related conditions. This variant is present in population databases (rs780585825, ExAC 0.009%). This sequence change replaces proline with leucine at codon 159 of the MAPT protein (p.Pro159Leu). The proline residue is moderately conserved and there is a moderate physicochemical difference between proline and leucine.

NM_001377265.1(MAPT):c.1652C>T (p.Pro551Leu)

Gene: MAPT (microtubule associated protein tau). Cytogenetic location: 17q21.31.
Variant type: single nucleotide variant.
Coding change: c.1652C>T on transcript NM_001377265.1 (MANE Select); coding-DNA position 1652, C replaced by T.
Protein change: p.Pro551Leu; replaces proline 551 with leucine.
Molecular consequence: missense variant. On other transcripts: non-coding transcript variant (1).
Genome position (GRCh38, 1-based): chr17:45,991,506, C>T. VCF-style: chr17-45991506-C-T. GRCh37 (hg19) VCF-style: chr17-44068872-C-T.
Other names: c.1427C>T, p.Pro476Leu (NM_001123066.4, NM_016835.5); c.389C>T, p.Pro130Leu (NM_001123067.4, NM_001203251.2, NM_001377267.1); c.476C>T, p.Pro159Leu (NM_001203252.2, NM_005910.6); c.1454C>T, p.Pro485Leu (NM_001377266.1); c.302C>T, p.Pro101Leu (NM_001377268.1, NM_016834.5, NM_016841.5); short protein forms P551L, P476L, P130L, P101L, P159L, P485L.
Identifiers: ClinVar variation 1509924 (VCV001509924.8), dbSNP rs780585825, ClinGen allele CA8617968.
Genomic context (GRCh38, chr17:45,991,506, plus strand): 5'-TGTTTCATTTACAGGGGGCTGATGGTAAAACGAAGATCGCCACACCGCGGGGAGCAGCCC[C>T]TCCAGGCCAGAAGGGCCAGGCCAACGCCACCAGGATTCCAGCAAAAACCCCGCCCGCTCC-3'
Protein context (NP_001364194.1, residues 541-561): TKIATPRGAA[Pro551Leu]PGQKGQANAT